The following is an entry in ClinVar:

NM_145239.3(PRRT2):c.884_885delinsCT (p.Arg295Pro)

Genes: MVP-DT (MVP divergent transcript; minus strand), PRRT2 (proline rich transmembrane protein 2; plus strand). Cytogenetic location: 16p11.2.
Variant type: Indel.
Coding change: c.884_885delinsCT on transcript NM_145239.3 (MANE Select); coding-DNA positions 884 to 885, GG replaced by CT.
Protein change: p.Arg295Pro; replaces arginine 295 with proline.
Molecular consequence: missense variant. On other transcripts: 3 prime UTR variant (1).
Genome position (GRCh38, 1-based): chr16:29,814,337-29,814,338, GG replaced by CT. VCF-style: chr16-29814337-GG-CT. GRCh37 (hg19) VCF-style: chr16-29825658-GG-CT.
Other names: c.884_885delinsCT, p.Arg295Pro (NM_001256442.2); c.*383_*384delinsCT (NM_001256443.2); short protein forms R295P.
Identifiers: ClinVar variation 1307025 (VCV001307025.2), dbSNP rs2142428805, ClinGen allele CA2573054216.

ClinVar aggregate classification (germline): Uncertain significance (1 of 4 stars; one submission).

Submission:

GeneDx
Classification: Uncertain significance. Last evaluated: 2019-07-11. Review status: criteria provided, single submitter. Criteria: GeneDx Variant Classification Process June 2021. Collection method: clinical testing. Allele origin: germline. Affected: yes.
Comment: Not observed in large population cohorts (Lek et al., 2016); In silico analysis, which includes protein predictors and evolutionary conservation, supports a deleterious effect; Has not been previously published as pathogenic or benign to our knowledge